The following is an entry in ClinVar:

NM_001367561.1(DOCK7):c.1250G>A (p.Arg417Lys)

Gene: DOCK7 (dedicator of cytokinesis 7; minus strand). Cytogenetic location: 1p31.3.
Variant type: single nucleotide variant.
Coding change: c.1250G>A on transcript NM_001367561.1 (MANE Select); coding-DNA position 1250, G replaced by A.
Protein change: p.Arg417Lys; replaces arginine 417 with lysine.
Molecular consequence: missense variant.
Genome position (GRCh38, 1-based): chr1:62,631,272, C>T on the plus strand (G>A on the coding strand, the complement: DOCK7 is on the minus strand). VCF-style: chr1-62631272-C-T. GRCh37 (hg19) VCF-style: chr1-63096943-C-T.
Other names: c.1250G>A, p.Arg417Lys (NM_001271999.2, NM_001272000.2, NM_001272001.2 and 3 more transcripts); short protein forms R417K.
Identifiers: ClinVar variation 1355010 (VCV001355010.8), dbSNP rs2149622755, ClinGen allele CA340618744.
Genomic context (GRCh38, chr1:62,631,272, plus strand): 5'-AGAAATGTTTTGTATGAAACACTCTTACCTCCAGTACTGATTTCTACTTCTGTAGAATCT[C>T]TTTCCAAACTCCCAGCACTGCTAACAATATTCATTAAATGGATTGCAGTCCAAGCAAAAG-3'
Protein context (NP_001354490.1, residues 407-427): NIVSSAGSLE[Arg417Lys]DSTEVEISTG

ClinVar aggregate classification (germline): Uncertain significance (1 of 4 stars; one submission).

Conditions:
Developmental and epileptic encephalopathy, 23 (DEE23). Also called: Epileptic encephalopathy, early infantile, 23. Identifiers: Orphanet 411986, MedGen C4014492, MONDO:0014371, OMIM 615859.

gnomAD v4.1: 1 of 1,609,922 alleles (0.000062%); highest among the groups gnomAD compares: East Asian, 0.0022%; no homozygotes.

Submission:

Labcorp Genetics (formerly Invitae), Labcorp
Classification: Uncertain significance for Developmental and epileptic encephalopathy, 23. Last evaluated: 2022-08-31. Review status: criteria provided, single submitter. Criteria: Invitae Variant Classification Sherloc (09022015). Collection method: clinical testing. Allele origin: germline.
Comment: In summary, the available evidence is currently insufficient to determine the role of this variant in disease. Therefore, it has been classified as a Variant of Uncertain Significance. Algorithms developed to predict the effect of missense changes on protein structure and function are either unavailable or do not agree on the potential impact of this missense change (SIFT: "Deleterious"; PolyPhen-2: "Possibly Damaging"; Align-GVGD: "Class C0"). ClinVar contains an entry for this variant (Variation ID: 1355010). This variant has not been reported in the literature in individuals affected with DOCK7-related conditions. This variant is not present in population databases (gnomAD no frequency). This sequence change replaces arginine, which is basic and polar, with lysine, which is basic and polar, at codon 417 of the DOCK7 protein (p.Arg417Lys).